The following is an entry in ClinVar:

NM_024422.6(DSC2):c.271A>G (p.Lys91Glu)

Gene: DSC2 (desmocollin 2; minus strand). Cytogenetic location: 18q12.1.
Variant type: single nucleotide variant.
Coding change: c.271A>G on transcript NM_024422.6 (MANE Select); coding-DNA position 271, A replaced by G.
Protein change: p.Lys91Glu; replaces lysine 91 with glutamic acid.
Molecular consequence: missense variant. On other transcripts: 5 prime UTR variant (2).
Genome position (GRCh38, 1-based): chr18:31,092,184, T>C on the plus strand (A>G on the coding strand, the complement: DSC2 is on the minus strand). VCF-style: chr18-31092184-T-C. GRCh37 (hg19) VCF-style: chr18-28672147-T-C.
Other names: c.-159A>G (NM_001406506.1, NM_001406507.1); c.271A>G, p.Lys91Glu (NM_004949.5); short protein forms K91E.
Identifiers: ClinVar variation 3894237 (VCV003894237.1).

ClinVar aggregate classification (germline): Uncertain significance (1 of 4 stars; one submission).

Conditions:
Cardiomyopathy (CMYO). Also called: Cardiomyopathies. Identifiers: Orphanet 167848, MedGen C0878544, MONDO:0004994, HP:0001638. Inheritance: Various modes of inheritance.

gnomAD v4.1: 1 of 1,613,712 alleles (0.000062%); highest among the groups gnomAD compares: South Asian, 0.0011%; no homozygotes.

Submission:

Color Diagnostics, LLC DBA Color Health
Classification: Uncertain significance for Cardiomyopathy. Last evaluated: 2025-03-03. Review status: criteria provided, single submitter. Criteria: ACMG Guidelines, 2015. Collection method: clinical testing. Allele origin: germline.
Comment: This missense variant replaces lysine with glutamic acid at codon 91 of the DSC2 protein. Computational prediction suggests that this variant may not impact protein structure and function (internally defined REVEL score threshold <= 0.5, PMID: 27666373). To our knowledge, functional studies have not been reported for this variant. This variant has not been reported in individuals affected with DSC2-related disorders in the literature. This variant has been identified in 1/250878 chromosomes in the general population by the Genome Aggregation Database (gnomAD). The available evidence is insufficient to determine the role of this variant in disease conclusively. Therefore, this variant is classified as a Variant of Uncertain Significance.